The following is an entry in ClinVar:

ClinVar aggregate classification (germline): Uncertain significance (1 of 4 stars; one submission).

Conditions:
Brugada syndrome 5 (BRGDA5). Identifiers: Orphanet 130, Orphanet 871, MedGen C2748541, MONDO:0013015, OMIM 612838.

Submission:

Labcorp Genetics (formerly Invitae), Labcorp
Classification: Uncertain significance for Brugada syndrome 5. Last evaluated: 2022-12-15. Review status: criteria provided, single submitter. Criteria: Invitae Variant Classification Sherloc (09022015). Collection method: clinical testing. Allele origin: germline.
Comment: This sequence change replaces asparagine, which is neutral and polar, with serine, which is neutral and polar, at codon 75 of the SCN1B protein (p.Asn75Ser). This variant is not present in population databases (gnomAD no frequency). This variant has not been reported in the literature in individuals affected with SCN1B-related conditions. Algorithms developed to predict the effect of missense changes on protein structure and function (SIFT, PolyPhen-2, Align-GVGD) all suggest that this variant is likely to be tolerated. In summary, the available evidence is currently insufficient to determine the role of this variant in disease. Therefore, it has been classified as a Variant of Uncertain Significance.

NM_001037.5(SCN1B):c.224A>G (p.Asn75Ser)

Gene: SCN1B (sodium voltage-gated channel beta subunit 1; plus strand). Cytogenetic location: 19q13.11.
Variant type: single nucleotide variant.
Coding change: c.224A>G on transcript NM_001037.5 (MANE Select); coding-DNA position 224, A replaced by G.
Protein change: p.Asn75Ser; replaces asparagine 75 with serine.
Molecular consequence: missense variant.
Genome position (GRCh38, 1-based): chr19:35,033,515, A>G. VCF-style: chr19-35033515-A-G. GRCh37 (hg19) VCF-style: chr19-35524419-A-G.
Other names: c.125A>G, p.Asn42Ser (NM_001321605.2); c.224A>G, p.Asn75Ser (NM_199037.5); short protein forms N75S, N42S.
Identifiers: ClinVar variation 2711572 (VCV002711572.3), dbSNP rs2514234293, ClinGen allele CA405328515.